The following is an entry in ClinVar:

ClinVar aggregate classification (germline): Benign/Likely benign. Review status: criteria provided, multiple submitters, no conflicts (2 of 4 stars). 6 submissions from 6 submitters: Benign (2); Likely benign (3). 1 of the submissions does not count toward it. Last evaluated 2026-09-01.

Conditions:
TRAPPC9-related disorder. Also called: TRAPPC9-related condition.
Inborn genetic diseases. Identifiers: MedGen C0950123, MeSH D030342.

Allele frequency attached by ClinVar (database versions not stated): 1000 Genomes Project 0.00319; 1000 Genomes Project 30x 0.00328; TOPMed 0.00493; ESP Exome Variant Server 0.00500; gnomAD 0.00501.
gnomAD v4.1: 12,463 of 1,596,098 alleles (0.78%); highest among the groups gnomAD compares: Non-Finnish European, 0.89%; 64 homozygotes.

Submissions (6):

CeGaT Center for Human Genetics Tuebingen
Classification: Likely benign. Last evaluated: 2026-09-01. Review status: criteria provided, single submitter. Criteria: CeGaT Center For Human Genetics Tuebingen Variant Classification Criteria Version 2. Collection method: clinical testing. Allele origin: germline. Affected: yes. Observed: 39 variant alleles.
Comment: TRAPPC9: BP4, BP7, BS2

Labcorp Genetics (formerly Invitae), Labcorp
Classification: Benign. Last evaluated: 2026-01-28. Review status: criteria provided, single submitter. Criteria: Invitae Variant Classification Sherloc (09022015). Collection method: clinical testing. Allele origin: germline.

GeneDx
Classification: Likely benign. Last evaluated: 2021-04-01. Review status: criteria provided, single submitter. Criteria: GeneDx Variant Classification Process June 2021. Collection method: clinical testing. Allele origin: germline. Affected: yes.

Ambry Genetics
Classification: Likely benign for Inborn genetic diseases. Last evaluated: 2016-05-03. Review status: criteria provided, single submitter. Criteria: Ambry Variant Classification Scheme 2023. Collection method: clinical testing. Allele origin: germline.

Genetic Services Laboratory, University of Chicago
Classification: Benign for AllHighlyPenetrant. Last evaluated: 2014-03-17. Review status: criteria provided, single submitter. Criteria: ACMG Guidelines, 2007. Collection method: clinical testing. Allele origin: germline. Inheritance: Autosomal recessive inheritance.

PreventionGenetics, part of Exact Sciences
Classification: Benign for TRAPPC9-related condition. Last evaluated: 2019-05-14. Review status: no assertion criteria provided. Collection method: clinical testing. Allele origin: germline. Not counted in ClinVar's aggregate classification.
Comment: This variant is classified as benign based on ACMG/AMP sequence variant interpretation guidelines (Richards et al. 2015 PMID: 25741868, with internal and published modifications).

NM_001160372.4(TRAPPC9):c.3249C>T (p.Phe1083=)

Gene: TRAPPC9 (trafficking protein particle complex subunit 9; minus strand). Cytogenetic location: 8q24.3.
Variant type: single nucleotide variant.
Coding change: c.3249C>T on transcript NM_001160372.4 (MANE Select); coding-DNA position 3249, C replaced by T.
Protein change: p.Phe1083=; no amino-acid change (phenylalanine 1083 retained).
Molecular consequence: synonymous variant. On other transcripts: non-coding transcript variant (1).
Genome position (GRCh38, 1-based): chr8:139,732,009, G>A on the plus strand (C>T on the coding strand, the complement: TRAPPC9 is on the minus strand). VCF-style: chr8-139732009-G-A. GRCh37 (hg19) VCF-style: chr8-140744252-G-A.
Other names: c.3222C>T, p.Phe1074= (NM_001321646.2); c.3270C>T, p.Phe1090= (NM_001374682.1); c.3138C>T, p.Phe1046= (NM_001374683.1); c.3105C>T, p.Phe1035= (NM_001374684.1); c.3249C>T, p.Phe1083= (NM_031466.8); c.3543C>T (NM_031466.7).
Identifiers: ClinVar variation 130632 (VCV000130632.59), dbSNP rs112551069, ClinGen allele CA155784.